The following is an entry in ClinVar:

ClinVar aggregate classification (germline): Uncertain significance. Review status: criteria provided, multiple submitters, no conflicts (2 of 4 stars). 2 submissions from 2 submitters: Uncertain significance (2). Last evaluated 2020-01-09.

Allele frequency attached by ClinVar (database versions not stated): gnomAD exomes below 0.00001; TOPMed below 0.00001; gnomAD 0.00001.
gnomAD v4.1: 2 of 1,613,966 alleles (0.00012%); highest among the groups gnomAD compares: Admixed American, 0.0033%; no homozygotes.

Submissions (2):

GeneDx
Classification: Uncertain significance. Last evaluated: 2020-01-09. Review status: criteria provided, single submitter. Criteria: GeneDx Variant Classification Process June 2021. Collection method: clinical testing. Allele origin: germline. Affected: yes.
Comment: Not observed at a significant frequency in large population cohorts (Lek et al., 2016); In silico analysis, which includes protein predictors and evolutionary conservation, supports that this variant does not alter protein structure/function; Has not been previously published as pathogenic or benign to our knowledge

Athena Diagnostics
Classification: Uncertain significance. Last evaluated: 2019-10-14. Review status: criteria provided, single submitter. Criteria: Athena Diagnostics Criteria. Collection method: clinical testing. Allele origin: unknown.

NM_182961.4(SYNE1):c.10639G>A (p.Ala3547Thr)

Gene: SYNE1 (spectrin repeat containing nuclear envelope protein 1; minus strand). Cytogenetic location: 6q25.2.
Variant type: single nucleotide variant.
Coding change: c.10639G>A on transcript NM_182961.4 (MANE Select); coding-DNA position 10639, G replaced by A.
Protein change: p.Ala3547Thr; replaces alanine 3547 with threonine.
Molecular consequence: missense variant.
Genome position (GRCh38, 1-based): chr6:152,354,946, C>T on the plus strand (G>A on the coding strand, the complement: SYNE1 is on the minus strand). VCF-style: chr6-152354946-C-T. GRCh37 (hg19) VCF-style: chr6-152676081-C-T.
Other names: c.10660G>A, p.Ala3554Thr (NM_033071.5); short protein forms A3547T, A3554T.
Identifiers: ClinVar variation 994791 (VCV000994791.3), dbSNP rs1395813698, ClinGen allele CA366125819.